The following is an entry in ClinVar:

ClinVar aggregate classification (germline): Uncertain significance. Review status: criteria provided, multiple submitters, no conflicts (2 of 4 stars). 2 submissions from 2 submitters: Uncertain significance (2). Last evaluated 2025-03-03.

Conditions:
Inborn genetic diseases. Identifiers: MedGen C0950123, MeSH D030342.
PKD1-related disorder. Also called: PKD1-related condition.

gnomAD v4.1: 13 of 1,584,924 alleles (0.00082%); highest among the groups gnomAD compares: South Asian, 0.0033%; no homozygotes.

Submissions (2):

PreventionGenetics, part of Exact Sciences
Classification: Uncertain significance for PKD1-related condition. Last evaluated: 2025-03-03. Review status: criteria provided, single submitter. Criteria: ACMG Guidelines, 2015. Collection method: clinical testing. Allele origin: germline.
Comment: The PKD1 c.7075C>T variant is predicted to result in the amino acid substitution p.Arg2359Trp. To our knowledge, this variant has not been reported in the literature. This variant is reported in 0.0067% of alleles in individuals of South Asian descent in gnomAD. At this time, the clinical significance of this variant is uncertain due to the absence of conclusive functional and genetic evidence.

Ambry Genetics
Classification: Uncertain significance for Inborn genetic diseases. Last evaluated: 2024-10-19. Review status: criteria provided, single submitter. Criteria: Ambry Variant Classification Scheme 2023. Collection method: clinical testing. Allele origin: germline.

NM_001009944.3(PKD1):c.7075C>T (p.Arg2359Trp)

Gene: PKD1 (polycystin 1, transient receptor potential channel interacting; minus strand). Cytogenetic location: 16p13.3.
Variant type: single nucleotide variant.
Coding change: c.7075C>T on transcript NM_001009944.3 (MANE Select); coding-DNA position 7075, C replaced by T.
Protein change: p.Arg2359Trp; replaces arginine 2359 with tryptophan.
Molecular consequence: missense variant.
Genome position (GRCh38, 1-based): chr16:2,106,939, G>A on the plus strand (C>T on the coding strand, the complement: PKD1 is on the minus strand). VCF-style: chr16-2106939-G-A. GRCh37 (hg19) VCF-style: chr16-2156940-G-A.
Other names: c.7075C>T, p.Arg2359Trp (NM_000296.4); short protein forms R2359W.
Identifiers: ClinVar variation 3419045 (VCV003419045.2).